The following is an entry in ClinVar:

ClinVar aggregate classification (germline): Pathogenic. Review status: criteria provided, multiple submitters, no conflicts (2 of 4 stars). 4 submissions from 4 submitters: Pathogenic (3). 1 of the submissions does not count toward it. Last evaluated 2025-02-24.

Conditions:
Cardiovascular phenotype. Identifiers: MedGen CN230736.
Familial long QT syndrome (RWS). Also called: Congenital long QT syndrome; Romano-Ward syndrome; VENTRICULAR FIBRILLATION WITH PROLONGED QT INTERVAL. Identifiers: Orphanet 768, MedGen C1141890, MONDO:0019171.
Long QT syndrome (LQTS). Identifiers: MedGen C0023976, MeSH D008133, MONDO:0002442. Disease mechanism: loss of function. Inheritance: Various modes of inheritance.

Submissions (4):

Labcorp Genetics (formerly Invitae), Labcorp
Classification: Pathogenic for Long QT syndrome. Last evaluated: 2025-02-24. Review status: criteria provided, single submitter. Criteria: Invitae Variant Classification Sherloc (09022015). Collection method: clinical testing. Allele origin: germline.
Comment: This sequence change replaces glycine, which is neutral and non-polar, with aspartic acid, which is acidic and polar, at codon 314 of the KCNQ1 protein (p.Gly314Asp). This variant is not present in population databases (gnomAD no frequency). This missense change has been observed in individuals with long QT syndrome (PMID: 22949429, 32168391). ClinVar contains an entry for this variant (Variation ID: 53138). Invitae Evidence Modeling of protein sequence and biophysical properties (such as structural, functional, and spatial information, amino acid conservation, physicochemical variation, residue mobility, and thermodynamic stability) indicates that this missense variant is expected to disrupt KCNQ1 protein function with a positive predictive value of 95%. This variant disrupts the p.Gly314 amino acid residue in KCNQ1. Other variant(s) that disrupt this residue have been determined to be pathogenic (PMID: 8872472, 9799083, 16922724, 22727609, 22949429). This suggests that this residue is clinically significant, and that variants that disrupt this residue are likely to be disease-causing. For these reasons, this variant has been classified as Pathogenic.

GeneDx
Classification: Pathogenic. Last evaluated: 2023-10-03. Review status: criteria provided, single submitter. Criteria: GeneDx Variant Classification Process June 2021. Collection method: clinical testing. Allele origin: germline. Affected: yes.
Comment: Not observed at significant frequency in large population cohorts (gnomAD); In silico analysis supports that this missense variant has a deleterious effect on protein structure/function; This variant is associated with the following publications: (PMID: 15466642, 23995044, 22949429, 15840476, 23124029, 29654130, 32168391, 32421437)

Ambry Genetics
Classification: Pathogenic for Cardiovascular phenotype. Last evaluated: 2019-03-01. Review status: criteria provided, single submitter. Criteria: Ambry Variant Classification Scheme 2023. Collection method: clinical testing. Allele origin: germline.
Comment: The p.G314D pathogenic mutation (also known as c.941G>A), located in coding exon 7 of the KCNQ1 gene, results from a G to A substitution at nucleotide position 941. The glycine at codon 314 is replaced by aspartic acid, an amino acid with similar properties, and is located in the ion selectivity filter (GYGD) motif of the intramembrane pore-forming region between transmembrane helices S5 and S6. Several alterations impacting this amino acid have been identified in multiple patients with LQTS; and one (p.G314S, c.940G>A) has been reported to co-segregate with disease in multiple families and has demonstrated significantly reduced IKs current density in heterologous expression studies (Russell MW et al. Hum. Mol. Genet. 1996;5:1319-24; Chouabe C et al. EMBO J. 1997;16:5472-9). Based on the supporting evidence, this alteration is interpreted as a disease-causing mutation.

Cardiovascular Biomedical Research Unit, Royal Brompton & Harefield NHS Foundation Trust
No classification provided. Condition: Familial long QT syndrome. Review status: no classification provided. Collection method: literature only. Allele origin: germline. Not counted in ClinVar's aggregate classification.
Comment: This variant has been reported as associated with Long QT syndrome in the following publications (PMID:12566525;PMID:15466642;PMID:15840476;PMID:19841300). This is a literature report, and does not necessarily reflect the clinical interpretation of the Imperial College / Royal Brompton Cardiovascular Genetics laboratory.

Literature cited by the submitters: PubMed 22949429 (cited by Labcorp Genetics (formerly Invitae), Labcorp); PubMed 32168391 (cited by Labcorp Genetics (formerly Invitae), Labcorp); PubMed 8872472 (cited by Labcorp Genetics (formerly Invitae), Labcorp and Ambry Genetics); PubMed 9799083 (cited by Labcorp Genetics (formerly Invitae), Labcorp); PubMed 16922724 (cited by Labcorp Genetics (formerly Invitae), Labcorp); PubMed 22727609 (cited by Labcorp Genetics (formerly Invitae), Labcorp); PubMed 15466642 (cited by Ambry Genetics and Cardiovascular Biomedical Research Unit, Royal Brompton & Harefield NHS Foundation Trust); PubMed 23124029 (cited by Ambry Genetics); PubMed 9312006 (cited by Ambry Genetics); PubMed 12566525 (cited by Cardiovascular Biomedical Research Unit, Royal Brompton & Harefield NHS Foundation Trust); PubMed 15840476 (cited by Cardiovascular Biomedical Research Unit, Royal Brompton & Harefield NHS Foundation Trust); PubMed 19841300 (cited by Cardiovascular Biomedical Research Unit, Royal Brompton & Harefield NHS Foundation Trust); PubMed 22581653 (cited by Cardiovascular Biomedical Research Unit, Royal Brompton & Harefield NHS Foundation Trust).

NM_000218.3(KCNQ1):c.941G>A (p.Gly314Asp)

Gene: KCNQ1 (potassium voltage-gated channel subfamily Q member 1; plus strand). Cytogenetic location: 11p15.5.
Variant type: single nucleotide variant.
Coding change: c.941G>A on transcript NM_000218.3 (MANE Select); coding-DNA position 941, G replaced by A.
Protein change: p.Gly314Asp; replaces glycine 314 with aspartic acid.
Molecular consequence: missense variant.
Genome position (GRCh38, 1-based): chr11:2,583,454, G>A. VCF-style: chr11-2583454-G-A. GRCh37 (hg19) VCF-style: chr11-2604684-G-A.
Other names: c.941G>A (LRG_287t1); c.941G>A, p.Gly314Asp (NM_001406836.1); c.671G>A, p.Gly224Asp (NM_001406837.1); c.497G>A, p.Gly166Asp (NM_001406838.1); c.560G>A, p.Gly187Asp (NM_181798.2); short protein forms G314D, G187D, G224D, G166D.
Identifiers: ClinVar variation 53138 (VCV000053138.13), dbSNP rs199472748, ClinGen allele CA008793.